The following is an entry in ClinVar:

ClinVar aggregate classification (germline): Likely pathogenic (0 of 4 stars; one submission).

Conditions:
Marfan syndrome (MFS). Also called: MARFAN SYNDROME, TYPE I; Marfan syndrome type 1; Marfan's syndrome; FBN1-Related Marfan Syndrome; Marfan syndrome, classic. Identifiers: Orphanet 284963, Orphanet 558, MedGen C0024796, MONDO:0007947, OMIM 154700.

Submission:

Department of Laboratory Medicine and Genetics, Samsung Medical Center
Classification: Likely pathogenic for Marfan syndrome. Last evaluated: 2025-01-02. Review status: no assertion criteria provided. Collection method: clinical testing. Allele origin: germline. Affected: yes.
Comment: The NM_000138.5:c.5756G>T is considered to be rare in the general population database (gnomAD v2.1.1). This variant is predicted to be deleterious by in-silico analysis (REVEL). This variant was found in a patient with Marfan syndrome (PMID: 19839986). According to the ClinGen guidance for PP1/BS4 and PP4 criteria (PMID: 38103548), PP4 with weighted strength was applied. In summary, this variant was classified as a likely pathogenic variant for Marfan syndrome (PP2, PP3, PP4 with weighted strength, PS4_P, PM2_P).

Literature cited by the submitters: PubMed 19839986.

NM_000138.5(FBN1):c.5756G>T (p.Gly1919Val)

Gene: FBN1 (fibrillin 1; minus strand). Cytogenetic location: 15q21.1.
Variant type: single nucleotide variant.
Coding change: c.5756G>T on transcript NM_000138.5 (MANE Select); coding-DNA position 5756, G replaced by T.
Protein change: p.Gly1919Val; replaces glycine 1919 with valine.
Molecular consequence: missense variant.
Genome position (GRCh38, 1-based): chr15:48,446,738, C>A on the plus strand (G>T on the coding strand, the complement: FBN1 is on the minus strand). VCF-style: chr15-48446738-C-A. GRCh37 (hg19) VCF-style: chr15-48738935-C-A.
Other names: c.5756G>T, p.Gly1919Val (NM_001406716.1); short protein forms G1919V.
Identifiers: ClinVar variation 3600246 (VCV003600246.1).